The following is an entry in ClinVar:

NM_001378183.1(PIEZO2):c.5714_5715delinsGG (p.Tyr1905Trp)

Gene: PIEZO2 (piezo type mechanosensitive ion channel component 2; minus strand). Cytogenetic location: 18p11.22.
Variant type: Indel.
Coding change: c.5714_5715delinsGG on transcript NM_001378183.1 (MANE Select); coding-DNA positions 5714 to 5715, AC replaced by GG.
Protein change: p.Tyr1905Trp; replaces tyrosine 1905 with tryptophan.
Molecular consequence: missense variant.
Genome position (GRCh38, 1-based): chr18:10,705,620-10,705,621, GT replaced by CC on the plus strand (AC replaced by GG on the coding strand, the reverse complement: PIEZO2 is on the minus strand). VCF-style: chr18-10705620-GT-CC. GRCh37 (hg19) VCF-style: chr18-10705618-GT-CC.
Other names: c.5450_5451delinsGG, p.Tyr1817Trp (NM_001410871.1); c.5375_5376delinsGG, p.Tyr1792Trp (NM_022068.4); short protein forms Y1792W, Y1817W, Y1905W.
Identifiers: ClinVar variation 4070597 (VCV004070597.1).

ClinVar aggregate classification (germline): Uncertain significance (1 of 4 stars; one submission).

Submission:

GeneDx
Classification: Uncertain significance. Last evaluated: 2025-01-16. Review status: criteria provided, single submitter. Criteria: GeneDx Variant Classification Process June 2021. Collection method: clinical testing. Allele origin: germline. Affected: yes.
Comment: Not observed at significant frequency in large population cohorts (gnomAD); In silico analysis indicates that this variant does not alter protein structure/function; Has not been previously published as pathogenic or benign to our knowledge